The following is an entry in ClinVar:

NM_000203.5(IDUA):c.256A>T (p.Lys86Ter)

Genes: IDUA (alpha-L-iduronidase; plus strand), SLC26A1 (solute carrier family 26 member 1; minus strand). Cytogenetic location: 4p16.3.
Variant type: single nucleotide variant.
Coding change: c.256A>T on transcript NM_000203.5 (MANE Select); coding-DNA position 256, A replaced by T.
Protein change: p.Lys86Ter; replaces lysine 86 with a stop codon.
Molecular consequence: nonsense. On other transcripts: 3 prime UTR variant (2), non-coding transcript variant (1), intron variant (1).
Genome position (GRCh38, 1-based): chr4:987,906, A>T. VCF-style: chr4-987906-A-T. GRCh37 (hg19) VCF-style: chr4-981694-A-T.
Other names: c.*927T>A (NM_022042.4, NM_213613.4); c.576+3222T>A (NM_134425.4); short protein forms K86*.
Identifiers: ClinVar variation 1724760 (VCV001724760.2), dbSNP rs2534008343, ClinGen allele CA355946513.

ClinVar aggregate classification (germline): Likely pathogenic (1 of 4 stars; one submission).

Conditions:
Mucopolysaccharidosis, MPS-I-H/S. Also called: Mucopolysaccharidosis type IH/S. Identifiers: Orphanet 93476, MedGen C0086431, MONDO:0011759, OMIM 607015.

Submission:

Myriad Genetics, Inc.
Classification: Likely pathogenic for Mucopolysaccharidosis, MPS-I-H/S. Last evaluated: 2022-02-25. Review status: criteria provided, single submitter. Criteria: Myriad Women's Health Autosomal Recessive and X-Linked Classification Criteria (2021). Collection method: clinical testing. Allele origin: unknown.
Comment: NM_000203.3(IDUA):c.256A>T(K86*) is expected to be pathogenic in the context of mucopolysaccharidosis type I. This variant is predicted to lead to an abnormal or absent protein product due to the creation of a premature termination codon in IDUA, a gene where loss-of-function variants are known to be pathogenic. Please note: this variant was assessed in the context of healthy population screening.